The following is an entry in ClinVar:

ClinVar aggregate classification (germline): Likely benign (0 of 4 stars; one submission).

Conditions:
PKD1L1-related disorder. Also called: PKD1L1-related condition.

Allele frequency attached by ClinVar (database versions not stated): TOPMed below 0.00001; gnomAD 0.00002.
gnomAD v4.1: 5 of 1,613,494 alleles (0.00031%); highest among the groups gnomAD compares: African/African-American, 0.0053%; no homozygotes.

Submission:

PreventionGenetics, part of Exact Sciences
Classification: Likely benign for PKD1L1-related condition. Last evaluated: 2021-11-02. Review status: no assertion criteria provided. Collection method: clinical testing. Allele origin: germline.
Comment: This variant is classified as likely benign based on ACMG/AMP sequence variant interpretation guidelines (Richards et al. 2015 PMID: 25741868, with internal and published modifications).

NM_138295.5(PKD1L1):c.3664-8G>A

Gene: PKD1L1 (polycystin 1 like 1, transient receptor potential channel interacting; minus strand). Cytogenetic location: 7p12.3.
Variant type: single nucleotide variant.
Coding change: c.3664-8G>A on transcript NM_138295.5 (MANE Select); 8 bases into the intron before coding-DNA position 3664, G replaced by A.
Molecular consequence: intron variant.
Genome position (GRCh38, 1-based): chr7:47,876,225, C>T on the plus strand (G>A on the coding strand, the complement: PKD1L1 is on the minus strand). VCF-style: chr7-47876225-C-T. GRCh37 (hg19) VCF-style: chr7-47915823-C-T.
Identifiers: ClinVar variation 3057713 (VCV003057713.2), dbSNP rs1001104780, ClinGen allele CA158101643.